The following is an entry in ClinVar:

ClinVar aggregate classification (germline): Uncertain significance (1 of 4 stars; one submission).

Conditions:
Hypertrophic cardiomyopathy 19. Also called: Familial hypertrophic cardiomyopathy 19. Identifiers: MedGen CN077603, MONDO:0013476.

Submission:

Labcorp Genetics (formerly Invitae), Labcorp
Classification: Uncertain significance for Hypertrophic cardiomyopathy 19. Last evaluated: 2024-12-08. Review status: criteria provided, single submitter. Criteria: Invitae Variant Classification Sherloc (09022015). Collection method: clinical testing. Allele origin: germline.
Comment: This sequence change replaces arginine, which is basic and polar, with proline, which is neutral and non-polar, at codon 278 of the CALR3 protein (p.Arg278Pro). This variant is not present in population databases (gnomAD no frequency). This variant has not been reported in the literature in individuals affected with CALR3-related conditions. Invitae Evidence Modeling of protein sequence and biophysical properties (such as structural, functional, and spatial information, amino acid conservation, physicochemical variation, residue mobility, and thermodynamic stability) indicates that this missense variant is not expected to disrupt CALR3 protein function with a negative predictive value of 80%. In summary, the available evidence is currently insufficient to determine the role of this variant in disease. Therefore, it has been classified as a Variant of Uncertain Significance.

NM_145046.5(CALR3):c.833G>C (p.Arg278Pro)

Gene: CALR3 (calreticulin 3; minus strand). Cytogenetic location: 19p13.11.
Variant type: single nucleotide variant.
Coding change: c.833G>C on transcript NM_145046.5 (MANE Select); coding-DNA position 833, G replaced by C.
Protein change: p.Arg278Pro; replaces arginine 278 with proline.
Molecular consequence: missense variant.
Genome position (GRCh38, 1-based): chr19:16,482,535, C>G on the plus strand (G>C on the coding strand, the complement: CALR3 is on the minus strand). VCF-style: chr19-16482535-C-G. GRCh37 (hg19) VCF-style: chr19-16593346-C-G.
Other names: short protein forms R278P.
Identifiers: ClinVar variation 3694697 (VCV003694697.2).